The following is an entry in ClinVar:

ClinVar aggregate classification (germline): Conflicting classifications of pathogenicity. Review status: criteria provided, conflicting classifications (1 of 4 stars). 6 submissions from 6 submitters: Uncertain significance (2); Benign (1); Likely benign (3). Last evaluated 2026-01-06.

Allele frequency attached by ClinVar (database versions not stated): TOPMed 0.00022; ESP Exome Variant Server 0.00025; gnomAD exomes 0.00031 and 0.00040; ExAC 0.00042; gnomAD 0.00042 and 0.00044; 1000 Genomes Project 30x 0.00047; 1000 Genomes Project 0.00060.
gnomAD v4.1: 523 of 1,614,000 alleles (0.032%); highest among the groups gnomAD compares: Non-Finnish European, 0.026%; no homozygotes.

Submissions (6):

Labcorp Genetics (formerly Invitae), Labcorp
Classification: Likely benign. Last evaluated: 2026-01-06. Review status: criteria provided, single submitter. Criteria: Invitae Variant Classification Sherloc (09022015). Collection method: clinical testing. Allele origin: germline.

Women's Health and Genetics/Laboratory Corporation of America, LabCorp
Classification: Uncertain significance. Last evaluated: 2025-07-16. Review status: criteria provided, single submitter. Criteria: LabCorp Variant Classification Summary - May 2015. Collection method: clinical testing. Allele origin: germline.
Comment: Variant summary: ANKRD26 c.4916G>A (p.Arg1639Gln) results in a conservative amino acid change in the encoded protein sequence. Algorithms developed to predict the effect of missense changes on protein structure and function all suggest that this variant is likely to be tolerated. The variant allele was found at a frequency of 0.0004 in 249424 control chromosomes, predominantly at a frequency of 0.00041 within the Non-Finnish European subpopulation in the gnomAD database. This frequency is not significantly higher than estimated for a pathogenic variant in ANKRD26 causing Thrombocytopenia 2, allowing no conclusion about variant significance. To our knowledge, no occurrence of c.4916G>A in individuals affected with Thrombocytopenia 2 and no experimental evidence demonstrating its impact on protein function have been reported. ClinVar contains an entry for this variant (Variation ID: 1211918). Based on the evidence outlined above, the variant was classified as uncertain significance.

Laboratory of Genetics, Children's Clinical University Hospital Latvia
Classification: Benign. Last evaluated: 2025-02-16. Review status: criteria provided, single submitter. Criteria: ACMG Guidelines, 2015. Collection method: clinical testing. Allele origin: germline. Affected: yes.

Blueprint Genetics
Classification: Likely benign. Last evaluated: 2024-10-10. Review status: criteria provided, single submitter. Criteria: ACMG Guidelines, 2015. Collection method: clinical testing. Allele origin: germline.

Genetic Services Laboratory, University of Chicago
Classification: Likely benign. Last evaluated: 2020-08-08. Review status: criteria provided, single submitter. Criteria: ACMG Guidelines, 2015. Collection method: clinical testing. Allele origin: germline. Affected: no.

GeneDx
Classification: Uncertain significance. Last evaluated: 2020-08-03. Review status: criteria provided, single submitter. Criteria: GeneDx Variant Classification Process June 2021. Collection method: clinical testing. Allele origin: germline. Affected: yes.
Comment: In silico analysis supports that this missense variant does not alter protein structure/function; Has not been previously published as pathogenic or benign to our knowledge

NM_014915.3(ANKRD26):c.4916G>A (p.Arg1639Gln)

Gene: ANKRD26 (ankyrin repeat domain 26; minus strand). Cytogenetic location: 10p12.1.
Variant type: single nucleotide variant.
Coding change: c.4916G>A on transcript NM_014915.3 (MANE Select); coding-DNA position 4916, G replaced by A.
Protein change: p.Arg1639Gln; replaces arginine 1639 with glutamine.
Molecular consequence: missense variant.
Genome position (GRCh38, 1-based): chr10:27,012,919, C>T on the plus strand (G>A on the coding strand, the complement: ANKRD26 is on the minus strand). VCF-style: chr10-27012919-C-T. GRCh37 (hg19) VCF-style: chr10-27301848-C-T.
Other names: c.4913G>A, p.Arg1638Gln (NM_001256053.2); short protein forms R1638Q, R1639Q.
Identifiers: ClinVar variation 1211918 (VCV001211918.15), dbSNP rs184369322, ClinGen allele CA5447697.